The following is an entry in ClinVar:

NM_001085487.3(MYSM1):c.714G>T (p.Gln238His)

Gene: MYSM1 (Myb like, SWIRM and MPN domains 1; minus strand). Cytogenetic location: 1p32.1.
Variant type: single nucleotide variant.
Coding change: c.714G>T on transcript NM_001085487.3 (MANE Select); coding-DNA position 714, G replaced by T.
Protein change: p.Gln238His; replaces glutamine 238 with histidine.
Molecular consequence: missense variant.
Genome position (GRCh38, 1-based): chr1:58,682,330, C>A on the plus strand (G>T on the coding strand, the complement: MYSM1 is on the minus strand). VCF-style: chr1-58682330-C-A. GRCh37 (hg19) VCF-style: chr1-59148002-C-A.
Other names: short protein forms Q238H.
Identifiers: ClinVar variation 1392606 (VCV001392606.5), dbSNP rs201248747, ClinGen allele CA877961.

ClinVar aggregate classification (germline): Uncertain significance (1 of 4 stars; one submission).

Allele frequency attached by ClinVar (database versions not stated): gnomAD exomes 0.00002 and 0.00009; ExAC 0.00015; gnomAD 0.00042 and 0.00050; TOPMed 0.00047; ESP Exome Variant Server 0.00050.
gnomAD v4.1: 101 of 1,613,852 alleles (0.0063%); highest among the groups gnomAD compares: African/African-American, 0.13%; no homozygotes.

Submission:

Labcorp Genetics (formerly Invitae), Labcorp
Classification: Uncertain significance. Last evaluated: 2023-11-20. Review status: criteria provided, single submitter. Criteria: Invitae Variant Classification Sherloc (09022015). Collection method: clinical testing. Allele origin: germline.
Comment: This sequence change replaces glutamine, which is neutral and polar, with histidine, which is basic and polar, at codon 238 of the MYSM1 protein (p.Gln238His). This variant is present in population databases (rs201248747, gnomAD 0.2%). This variant has not been reported in the literature in individuals affected with MYSM1-related conditions. ClinVar contains an entry for this variant (Variation ID: 1392606). Advanced modeling of protein sequence and biophysical properties (such as structural, functional, and spatial information, amino acid conservation, physicochemical variation, residue mobility, and thermodynamic stability) performed at Invitae indicates that this missense variant is not expected to disrupt MYSM1 protein function with a negative predictive value of 80%. In summary, the available evidence is currently insufficient to determine the role of this variant in disease. Therefore, it has been classified as a Variant of Uncertain Significance.